The following is an entry in ClinVar:

GRCh38/hg38 3q29(chr3:193610482-193623779)x1

Genes: OPA1 (OPA1 mitochondrial dynamin like GTPase; plus strand), OPA1-AS1 (OPA1 antisense RNA 1; minus strand). Cytogenetic location: 3q29.
Variant type: copy number loss.
Change: copy number 1 (one copy instead of two) of chr3:193,610,482-193,623,779 (13.3 kb, GRCh38 coordinates, 1-based), cytogenetic band 3q29.
Identifiers: ClinVar variation 3777025 (VCV003777025.1).

ClinVar aggregate classification (germline): Pathogenic (1 of 4 stars; one submission).

Conditions:
OPA1-related optic atrophy with or without extraocular features. Identifiers: MedGen CN322459, MONDO:0800181.

Submission:

Clinical Omics and Informatics (COIN) Unit, Neuroscience Institute, University Of Cape Town
Classification: Pathogenic for OPA1-related optic atrophy with or without extraocular features. Last evaluated: 2025-03-31. Review status: criteria provided, single submitter. Criteria: ACMG/ClinGen CNV Guidelines, 2019. Collection method: research. Allele origin: germline. Inheritance: Autosomal dominant inheritance. Affected: yes. Observed: 2 variant alleles, 2 heterozygotes. Clinical features observed: Optic neuropathy (HP:0001138), Optic disc pallor (HP:0000543), Scotoma (HP:0000575).
Comment: This CNV loss spans exons 2-6 of the OPA1 gene. 2E. Both breakpoints are within the same gene (gene-level sequence variant): ClinGen definitive gene-disease validity classification for OPA1 gene and OPA1-related optic atrophy with or without extraocular features and loss of OPA1 function is an established pathogenic mechanism, ClinGen OPA1 dosage curation awaiting review (OPA1 gene has a pLI score of 0.99 and a DECIPHER HI score of 6.94 indicating a high probability of haploinsufficiency), PVS1 met (0.9 points). 4E. Reported proband has a highly specific phenotype consistent with the gene/genomic region, but the inheritance of the variant is unknown: CNV loss/gain of the OPA1 gene region is frequently reported in probands with autosomal dominant optic atrophy (ranging from single exon CNVs to CNVs spanning larger genomic regions including the OPA1 gene), e.g. 1 proband with optic atrophy was reported to have a heterozygous deletion of exons 1-5 which is similar to the CNV under assessment (PMID:19181907) (0.3 points). Sequencing funded by the International Centre for Genomic Medicine in Neuromuscular Diseases (ICGNMD).

Literature cited by the submitters: PubMed 19181907.